The following is an entry in ClinVar:

ClinVar aggregate classification (germline): Uncertain significance. Review status: criteria provided, multiple submitters, no conflicts (2 of 4 stars). 2 submissions from 2 submitters: Uncertain significance (2). Last evaluated 2022-07-05.

Conditions:
Inborn genetic diseases. Identifiers: MedGen C0950123, MeSH D030342.
Intellectual disability, autosomal recessive 53 (NEDHSCA). Also called: Mental retardation, autosomal recessive 53; GLYCOSYLPHOSPHATIDYLINOSITOL BIOSYNTHESIS DEFECT 13; NEURODEVELOPMENTAL DISORDER WITH OR WITHOUT HYPOTONIA, SEIZURES, AND CEREBELLAR ATROPHY. Identifiers: Orphanet 488635, MedGen C4310794, MONDO:0014832, OMIM 616917.

Allele frequency attached by ClinVar (database versions not stated): TOPMed below 0.00001; gnomAD exomes 0.00001.
gnomAD v4.1: 4 of 1,587,576 alleles (0.00025%); highest among the groups gnomAD compares: Non-Finnish European, 0.00034%; no homozygotes.

Submissions (2):

Labcorp Genetics (formerly Invitae), Labcorp
Classification: Uncertain significance for Intellectual disability, autosomal recessive 53. Last evaluated: 2022-07-05. Review status: criteria provided, single submitter. Criteria: Invitae Variant Classification Sherloc (09022015). Collection method: clinical testing. Allele origin: germline.
Comment: This sequence change replaces serine, which is neutral and polar, with phenylalanine, which is neutral and non-polar, at codon 753 of the PIGG protein (p.Ser753Phe). This variant is present in population databases (no rsID available, gnomAD 0.002%). This variant has not been reported in the literature in individuals affected with PIGG-related conditions. ClinVar contains an entry for this variant (Variation ID: 569884). Algorithms developed to predict the effect of missense changes on protein structure and function are either unavailable or do not agree on the potential impact of this missense change (SIFT: "Deleterious"; PolyPhen-2: "Probably Damaging"; Align-GVGD: "Class C0"). In summary, the available evidence is currently insufficient to determine the role of this variant in disease. Therefore, it has been classified as a Variant of Uncertain Significance.

Ambry Genetics
Classification: Uncertain significance for Inborn genetic diseases. Last evaluated: 2022-01-05. Review status: criteria provided, single submitter. Criteria: Ambry Variant Classification Scheme 2023. Collection method: clinical testing. Allele origin: germline.

NM_001127178.3(PIGG):c.2258C>T (p.Ser753Phe)

Gene: PIGG (phosphatidylinositol glycan anchor biosynthesis class G (EMM blood group); plus strand). Cytogenetic location: 4p16.3.
Variant type: single nucleotide variant.
Coding change: c.2258C>T on transcript NM_001127178.3 (MANE Select); coding-DNA position 2258, C replaced by T.
Protein change: p.Ser753Phe; replaces serine 753 with phenylalanine.
Molecular consequence: missense variant. On other transcripts: non-coding transcript variant (10).
Genome position (GRCh38, 1-based): chr4:527,227, C>T. VCF-style: chr4-527227-C-T. GRCh37 (hg19) VCF-style: chr4-521016-C-T.
Other names: c.1991C>T, p.Ser664Phe (NM_001289051.2, NM_001345986.2); c.1859C>T, p.Ser620Phe (NM_001289052.2); c.1967C>T, p.Ser656Phe (NM_001345987.2); c.1229C>T, p.Ser410Phe (NM_001345988.2); c.725C>T, p.Ser242Phe (NM_001345990.2, NM_001345991.2); c.1160C>T, p.Ser387Phe (NM_001345994.2); c.2234C>T, p.Ser745Phe (NM_017733.5); c.2258C>T (NM_001127178.1); short protein forms S753F, S620F, S242F, S387F, S656F, S664F, S745F, S410F.
Identifiers: ClinVar variation 569884 (VCV000569884.5), dbSNP rs1337903299, ClinGen allele CA355909220.